The following is an entry in ClinVar:

ClinVar aggregate classification (germline): Uncertain significance (1 of 4 stars; one submission).

Conditions:
Familial focal epilepsy with variable foci (FPEVF). Identifiers: Orphanet 98820, MedGen C1858477, MONDO:0020310.

Allele frequency attached by ClinVar (database versions not stated): gnomAD exomes below 0.00001 and 0.00002; TOPMed 0.00001.

Submission:

Labcorp Genetics (formerly Invitae), Labcorp
Classification: Uncertain significance for Familial focal epilepsy with variable foci. Last evaluated: 2024-05-15. Review status: criteria provided, single submitter. Criteria: Invitae Variant Classification Sherloc (09022015). Collection method: clinical testing. Allele origin: germline.
Comment: This sequence change replaces arginine, which is basic and polar, with cysteine, which is neutral and slightly polar, at codon 392 of the DEPDC5 protein (p.Arg392Cys). This variant is present in population databases (no rsID available, gnomAD 0.0009%). This variant has not been reported in the literature in individuals affected with DEPDC5-related conditions. ClinVar contains an entry for this variant (Variation ID: 645676). Algorithms developed to predict the effect of missense changes on protein structure and function output the following: SIFT: "Not Available"; PolyPhen-2: "Not Available"; Align-GVGD: "Not Available". The cysteine amino acid residue is found in multiple mammalian species, which suggests that this missense change does not adversely affect protein function. In summary, the available evidence is currently insufficient to determine the role of this variant in disease. Therefore, it has been classified as a Variant of Uncertain Significance.

NM_001242896.3(DEPDC5):c.1174C>T (p.Arg392Cys)

Gene: DEPDC5 (DEP domain containing 5, GATOR1 subcomplex subunit; plus strand). Cytogenetic location: 22q12.3.
Variant type: single nucleotide variant.
Coding change: c.1174C>T on transcript NM_001242896.3 (MANE Select); coding-DNA position 1174, C replaced by T.
Protein change: p.Arg392Cys; replaces arginine 392 with cysteine.
Molecular consequence: missense variant. On other transcripts: non-coding transcript variant (5).
Genome position (GRCh38, 1-based): chr22:31,804,872, C>T. VCF-style: chr22-31804872-C-T. GRCh37 (hg19) VCF-style: chr22-32200858-C-T.
Other names: c.1174C>T, p.Arg392Cys (NM_001007188.4, NM_001136029.4, NM_001242897.2 and 7 more transcripts); c.1090C>T, p.Arg364Cys (NM_001369901.1, NM_001369902.1); short protein forms R392C, R364C.
Identifiers: ClinVar variation 645676 (VCV000645676.10), dbSNP rs1028964149, ClinGen allele CA323356096.